The following is an entry in ClinVar:

NM_001735.3(C5):c.1856C>A (p.Pro619His)

Gene: C5 (complement C5; minus strand). Cytogenetic location: 9q33.2.
Variant type: single nucleotide variant.
Coding change: c.1856C>A on transcript NM_001735.3 (MANE Select); coding-DNA position 1856, C replaced by A.
Protein change: p.Pro619His; replaces proline 619 with histidine.
Molecular consequence: missense variant.
Genome position (GRCh38, 1-based): chr9:121,017,372, G>T on the plus strand (C>A on the coding strand, the complement: C5 is on the minus strand). VCF-style: chr9-121017372-G-T. GRCh37 (hg19) VCF-style: chr9-123779650-G-T.
Other names: c.1874C>A, p.Pro625His (NM_001317163.2); c.1856C>A, p.Pro619His (NM_001317164.2); short protein forms P619H, P625H.
Identifiers: ClinVar variation 2744137 (VCV002744137.3), dbSNP rs2540429265, ClinGen allele CA374746900.
Genomic context (GRCh38, chr9:121,017,372, plus strand): 5'-CTGGTGGCCACACTTCATGCAACACTGCAGCGAGACATGCATTACTTAACTCTTTCCAAG[G>T]GCTTTTTGGCTCCTCTTTGGACTCCATACACAGCACTGTCCACTGCTGCTAATGCCACCC-3'
Protein context (NP_001726.2, residues 609-629): VYGVQRGAKK[Pro619His]LERVFQFLEK

ClinVar aggregate classification (germline): Uncertain significance (1 of 4 stars; one submission).

Submission:

Labcorp Genetics (formerly Invitae), Labcorp
Classification: Uncertain significance. Last evaluated: 2023-07-17. Review status: criteria provided, single submitter. Criteria: Invitae Variant Classification Sherloc (09022015). Collection method: clinical testing. Allele origin: germline.
Comment: In summary, the available evidence is currently insufficient to determine the role of this variant in disease. Therefore, it has been classified as a Variant of Uncertain Significance. Advanced modeling of protein sequence and biophysical properties (such as structural, functional, and spatial information, amino acid conservation, physicochemical variation, residue mobility, and thermodynamic stability) performed at Invitae indicates that this missense variant is expected to disrupt C5 protein function. This variant has not been reported in the literature in individuals affected with C5-related conditions. This variant is not present in population databases (gnomAD no frequency). This sequence change replaces proline, which is neutral and non-polar, with histidine, which is basic and polar, at codon 619 of the C5 protein (p.Pro619His).